The following is an entry in ClinVar:

ClinVar aggregate classification (germline): Uncertain significance. Review status: criteria provided, multiple submitters, no conflicts (2 of 4 stars). 2 submissions from 2 submitters: Uncertain significance (2). Last evaluated 2025-04-04.

Conditions:
Fanconi anemia (FA). Also called: Fanconi's anemia. Identifiers: Orphanet 84, MedGen C0015625, MeSH D005199, MONDO:0019391.
Inborn genetic diseases. Identifiers: MedGen C0950123, MeSH D030342.

Submissions (2):

Ambry Genetics
Classification: Uncertain significance for Inborn genetic diseases. Last evaluated: 2025-04-04. Review status: criteria provided, single submitter. Criteria: Ambry Variant Classification Scheme 2023. Collection method: clinical testing. Allele origin: germline.
Comment: The p.T190R variant (also known as c.569C>G), located in coding exon 2 of the FANCM gene, results from a C to G substitution at nucleotide position 569. The threonine at codon 190 is replaced by arginine, an amino acid with similar properties. This amino acid position is conserved. In addition, this alteration is predicted to be deleterious by in silico analysis. Based on the available evidence, the clinical significance of this variant remains unclear.

Labcorp Genetics (formerly Invitae), Labcorp
Classification: Uncertain significance for Fanconi anemia. Last evaluated: 2023-12-11. Review status: criteria provided, single submitter. Criteria: Invitae Variant Classification Sherloc (09022015). Collection method: clinical testing. Allele origin: germline.
Comment: This sequence change replaces threonine, which is neutral and polar, with arginine, which is basic and polar, at codon 190 of the FANCM protein (p.Thr190Arg). This variant is not present in population databases (gnomAD no frequency). This variant has not been reported in the literature in individuals affected with FANCM-related conditions. An algorithm developed to predict the effect of missense changes on protein structure and function (PolyPhen-2) suggests that this variant is likely to be disruptive. In summary, the available evidence is currently insufficient to determine the role of this variant in disease. Therefore, it has been classified as a Variant of Uncertain Significance.

NM_020937.4(FANCM):c.569C>G (p.Thr190Arg)

Gene: FANCM (FA complementation group M; plus strand). Cytogenetic location: 14q21.2.
Variant type: single nucleotide variant.
Coding change: c.569C>G on transcript NM_020937.4 (MANE Select); coding-DNA position 569, C replaced by G.
Protein change: p.Thr190Arg; replaces threonine 190 with arginine.
Molecular consequence: missense variant.
Genome position (GRCh38, 1-based): chr14:45,137,129, C>G. VCF-style: chr14-45137129-C-G. GRCh37 (hg19) VCF-style: chr14-45606332-C-G.
Other names: c.569C>G, p.Thr190Arg (NM_001308133.2, NM_001308134.2); short protein forms T190R.
Identifiers: ClinVar variation 2816001 (VCV002816001.4), dbSNP rs1885575047, ClinGen allele CA389588736.